The following is an entry in ClinVar:

ClinVar aggregate classification (germline): Uncertain significance. Review status: criteria provided, multiple submitters, no conflicts (2 of 4 stars). 4 submissions from 4 submitters: Uncertain significance (3). 1 of the submissions does not count toward it. Last evaluated 2025-08-25.

Conditions:
Goldmann-Favre syndrome. Identifiers: Orphanet 53540, MedGen C0339541, MONDO:0100289.
Inborn genetic diseases. Identifiers: MedGen C0950123, MeSH D030342.

Allele frequency attached by ClinVar (database versions not stated): gnomAD 0.00001; gnomAD exomes 0.00001.
gnomAD v4.1: 15 of 1,554,030 alleles (0.00097%); highest among the groups gnomAD compares: Non-Finnish European, 0.0012%; no homozygotes.

Submissions (4):

Ambry Genetics
Classification: Uncertain significance for Inborn genetic diseases. Last evaluated: 2025-08-25. Review status: criteria provided, single submitter. Criteria: Ambry Variant Classification Scheme 2023. Collection method: clinical testing. Allele origin: germline.

Blueprint Genetics
Classification: Uncertain significance. Last evaluated: 2024-06-28. Review status: criteria provided, single submitter. Criteria: ACMG Guidelines, 2015. Collection method: clinical testing. Allele origin: germline.

Labcorp Genetics (formerly Invitae), Labcorp
Classification: Uncertain significance. Last evaluated: 2022-07-11. Review status: criteria provided, single submitter. Criteria: Invitae Variant Classification Sherloc (09022015). Collection method: clinical testing. Allele origin: germline.
Comment: This sequence change replaces proline, which is neutral and non-polar, with arginine, which is basic and polar, at codon 160 of the NR2E3 protein (p.Pro160Arg). This variant is present in population databases (no rsID available, gnomAD 0.002%). This variant has not been reported in the literature in individuals affected with NR2E3-related conditions. ClinVar contains an entry for this variant (Variation ID: 991928). Experimental studies and prediction algorithms are not available or were not evaluated, and the functional significance of this variant is currently unknown. In summary, the available evidence is currently insufficient to determine the role of this variant in disease. Therefore, it has been classified as a Variant of Uncertain Significance.

Natera, Inc.
Classification: Uncertain significance for Goldmann-Favre syndrome. Last evaluated: 2020-04-17. Review status: no assertion criteria provided. Collection method: clinical testing. Allele origin: germline. Not counted in ClinVar's aggregate classification.

NM_014249.4(NR2E3):c.479C>G (p.Pro160Arg)

Gene: NR2E3 (nuclear receptor subfamily 2 group E member 3; plus strand). Cytogenetic location: 15q23.
Variant type: single nucleotide variant.
Coding change: c.479C>G on transcript NM_014249.4 (MANE Select); coding-DNA position 479, C replaced by G.
Protein change: p.Pro160Arg; replaces proline 160 with arginine.
Molecular consequence: missense variant.
Genome position (GRCh38, 1-based): chr15:71,812,084, C>G. VCF-style: chr15-71812084-C-G. GRCh37 (hg19) VCF-style: chr15-72104424-C-G.
Other names: c.479C>G, p.Pro160Arg (NM_016346.4); c.479C>G (NM_014249.2); short protein forms P160R.
Identifiers: ClinVar variation 991928 (VCV000991928.5), dbSNP rs1369112349, ClinGen allele CA393034650.
Genomic context (GRCh38, chr15:71,812,084, plus strand): 5'-AGTCCCGGCCGGAGTCCCTGGTGGCTCCCCCGGCCCCGGCAGGGCGCAGCCCACGGGGCC[C>G]CACACCCATGTCTGCAGCCAGAGCCCTGGGCCACCACTTCATGGCCAGCCTTATAACAGC-3'
Protein context (NP_055064.1, residues 150-170): PAPAGRSPRG[Pro160Arg]TPMSAARALG